The following is an entry in ClinVar:

NM_001382391.1(CSPP1):c.-10-5dup

Gene: CSPP1 (centrosome and spindle pole associated protein 1; plus strand). Cytogenetic location: 8q13.1.
Variant type: Duplication.
Coding change: c.-10-5dup on transcript NM_001382391.1 (MANE Select); 5 bases into the intron before 10 bases upstream of the start codon, one base duplicated (T; older notation c.-10-5dupT).
Molecular consequence: intron variant.
Genome position (GRCh38, 1-based): chr8:67,074,238, T duplicated; the last of 9 consecutive T bases (chr8:67,074,230-67,074,238); duplicating any one gives the same sequence. VCF-style (leftmost placement, unchanged base first): chr8-67074229-A-AT. GRCh37 (hg19) VCF-style: chr8-67986464-A-AT.
Other names: c.99-5dupT (NM_024790.6); c.-10-5dup (NM_001363132.2, NM_001363131.2, NM_001363133.2); c.99-5dup (NM_001364869.1, NM_024790.7, NM_001438331.1 and 3 more transcripts).
Identifiers: ClinVar variation 507651 (VCV000507651.16), dbSNP rs536000854, ClinGen allele CA4770089.

ClinVar aggregate classification (germline): Benign/Likely benign. Review status: criteria provided, multiple submitters, no conflicts (2 of 4 stars). 3 submissions from 3 submitters: Benign (1); Likely benign (2). Last evaluated 2025-12-25.

Conditions:
Joubert syndrome 21 (JBTS21). Identifiers: MedGen C3810212, MONDO:0014288, OMIM 615636.

Submissions (3):

Labcorp Genetics (formerly Invitae), Labcorp
Classification: Benign for Joubert syndrome 21. Last evaluated: 2025-12-25. Review status: criteria provided, single submitter. Criteria: Invitae Variant Classification Sherloc (09022015). Collection method: clinical testing. Allele origin: germline.

Blueprint Genetics
Classification: Likely benign. Last evaluated: 2024-03-09. Review status: criteria provided, single submitter. Criteria: ACMG Guidelines, 2015. Collection method: clinical testing. Allele origin: germline.

GeneDx
Classification: Likely benign. Last evaluated: 2024-01-30. Review status: criteria provided, single submitter. Criteria: GeneDx Variant Classification Process June 2021. Collection method: clinical testing. Allele origin: germline. Affected: yes.
Comment: See Variant Classification Assertion Criteria.